The following is an entry in ClinVar:

NM_004415.4(DSP):c.95G>A (p.Ser32Asn)

Genes: DSP (desmoplakin; plus strand), DSP-AS1 (DSP antisense RNA 1; minus strand). Cytogenetic location: 6p24.3.
Variant type: single nucleotide variant.
Coding change: c.95G>A on transcript NM_004415.4 (MANE Select); coding-DNA position 95, G replaced by A.
Protein change: p.Ser32Asn; replaces serine 32 with asparagine.
Molecular consequence: missense variant.
Genome position (GRCh38, 1-based): chr6:7,542,010, G>A. VCF-style: chr6-7542010-G-A. GRCh37 (hg19) VCF-style: chr6-7542243-G-A.
Other names: c.95G>A, p.Ser32Asn (NM_001008844.3, NM_001319034.2, NM_001406591.1); short protein forms S32N.
Identifiers: ClinVar variation 3070659 (VCV003070659.6), dbSNP rs1235755702, ClinGen allele CA362675787.

ClinVar aggregate classification (germline): Uncertain significance. Review status: criteria provided, multiple submitters, no conflicts (2 of 4 stars). 4 submissions from 4 submitters: Uncertain significance (4). Last evaluated 2025-06-29.

Conditions:
Arrhythmogenic cardiomyopathy with wooly hair and keratoderma. Also called: PALMOPLANTAR KERATODERMA WITH LEFT VENTRICULAR CARDIOMYOPATHY AND WOOLLY HAIR; Carvajal syndrome; Dilated cardiomyopathy with woolly hair and keratoderma; Arrhythmogenic cardiomyopathy with woolly hair and keratoderma. Identifiers: Orphanet 65282, MedGen C1854063, MONDO:0011581, OMIM 605676.
Arrhythmogenic right ventricular dysplasia 8 (ARVD8). Also called: ARRHYTHMOGENIC RIGHT VENTRICULAR DYSPLASIA, FAMILIAL, 8; ARRHYTHMOGENIC RIGHT VENTRICULAR CARDIOMYOPATHY 8; Arrhythmogenic Right Ventricular Dysplasia/Cardiomyopathy 8. Identifiers: MedGen C1843896, MONDO:0011831, OMIM 607450.
Hypertrophic cardiomyopathy. Also called: HYPERTROPHIC MYOCARDIOPATHY. Identifiers: Orphanet 217569, MedGen C0007194, MeSH D002312, MONDO:0005045, HP:0001639.
Cardiomyopathy (CMYO). Also called: Cardiomyopathies. Identifiers: Orphanet 167848, MedGen C0878544, MONDO:0004994, HP:0001638. Inheritance: Various modes of inheritance.

Allele frequency attached by ClinVar (database versions not stated): gnomAD exomes below 0.00001; TOPMed below 0.00001.
gnomAD v4.1: 1 of 1,590,210 alleles (0.000063%); highest among the groups gnomAD compares: Non-Finnish European, 0.000086%; no homozygotes.

Submissions (4):

Color Diagnostics, LLC DBA Color Health
Classification: Uncertain significance for Cardiomyopathy. Last evaluated: 2025-06-29. Review status: criteria provided, single submitter. Criteria: ACMG Guidelines, 2015. Collection method: clinical testing. Allele origin: germline.
Comment: This missense variant replaces serine with asparagine at codon 32 of the DSP protein. Computational prediction suggests that this variant may not impact protein structure and function. To our knowledge, functional studies have not been reported for this variant. This variant has not been reported in individuals affected with DSP-related disorders in the literature. This variant has not been identified in the general population by the Genome Aggregation Database (gnomAD). The available evidence is insufficient to determine the role of this variant in disease conclusively. Therefore, this variant is classified as a Variant of Uncertain Significance.

All of Us Research Program, National Institutes of Health
Classification: Uncertain significance for Arrhythmogenic cardiomyopathy with wooly hair and keratoderma. Last evaluated: 2024-09-23. Review status: criteria provided, single submitter. Criteria: ACMG Guidelines, 2015. Collection method: clinical testing. Allele origin: germline. Inheritance: Autosomal dominant inheritance. Observed: 3 variant alleles, 3 heterozygotes.
Comment: This missense variant replaces serine with asparagine at codon 32 of the DSP protein. Computational prediction suggests that this variant may not impact protein structure and function (internally defined REVEL score threshold <= 0.5, PMID: 27666373). To our knowledge, functional studies have not been reported for this variant. This variant has not been reported in individuals affected with DSP-related disorders in the literature. This variant has not been identified in the general population by the Genome Aggregation Database (gnomAD). The available evidence is insufficient to determine the role of this variant in disease conclusively. Therefore, this variant is classified as a Variant of Uncertain Significance.

This study involves interpretation of variants in research participants for the purpose of population health screening. Participant phenotype was not available at the time of variant classification. Additional details can be found in publication PMID: 35346344, PMCID: PMC8962531

Labcorp Genetics (formerly Invitae), Labcorp
Classification: Uncertain significance for Arrhythmogenic cardiomyopathy with wooly hair and keratoderma; Arrhythmogenic right ventricular dysplasia 8. Last evaluated: 2024-06-30. Review status: criteria provided, single submitter. Criteria: Invitae Variant Classification Sherloc (09022015). Collection method: clinical testing. Allele origin: germline.
Comment: This sequence change replaces serine, which is neutral and polar, with asparagine, which is neutral and polar, at codon 32 of the DSP protein (p.Ser32Asn). This variant is not present in population databases (gnomAD no frequency). This variant has not been reported in the literature in individuals affected with DSP-related conditions. An algorithm developed to predict the effect of missense changes on protein structure and function (PolyPhen-2) suggests that this variant is likely to be tolerated. In summary, the available evidence is currently insufficient to determine the role of this variant in disease. Therefore, it has been classified as a Variant of Uncertain Significance.

Institute of Human Genetics, Medical University Innsbruck
Classification: Uncertain significance for Hypertrophic Cardiomyopathy. Review status: criteria provided, single submitter. Criteria: ACMG Guidelines, 2015. Collection method: clinical testing. Allele origin: germline. Affected: yes.